The following is an entry in ClinVar:

ClinVar aggregate classification (germline): Uncertain significance. Review status: criteria provided, multiple submitters, no conflicts (2 of 4 stars). 3 submissions from 3 submitters: Uncertain significance (3). Last evaluated 2022-02-21.

Conditions:
Inborn genetic diseases. Identifiers: MedGen C0950123, MeSH D030342.

Allele frequency attached by ClinVar (database versions not stated): gnomAD 0.00031 and 0.00029; TOPMed 0.00042; ESP Exome Variant Server 0.00054; gnomAD exomes 0.00005; ExAC 0.00019; 1000 Genomes Project 0.00020; 1000 Genomes Project 30x 0.00031.
gnomAD v4.1: 107 of 1,557,396 alleles (0.0069%); highest among the groups gnomAD compares: African/African-American, 0.13%; no homozygotes.

Submissions (3):

Labcorp Genetics (formerly Invitae), Labcorp
Classification: Uncertain significance. Last evaluated: 2022-02-21. Review status: criteria provided, single submitter. Criteria: Invitae Variant Classification Sherloc (09022015). Collection method: clinical testing. Allele origin: germline.
Comment: This sequence change replaces phenylalanine, which is neutral and non-polar, with valine, which is neutral and non-polar, at codon 1694 of the CUL7 protein (p.Phe1694Val). This variant is present in population databases (rs150979209, gnomAD 0.08%). This variant has not been reported in the literature in individuals affected with CUL7-related conditions. ClinVar contains an entry for this variant (Variation ID: 286956). Algorithms developed to predict the effect of missense changes on protein structure and function are either unavailable or do not agree on the potential impact of this missense change (SIFT: "Tolerated"; PolyPhen-2: "Probably Damaging"; Align-GVGD: "Class C0"). In summary, the available evidence is currently insufficient to determine the role of this variant in disease. Therefore, it has been classified as a Variant of Uncertain Significance.

Ambry Genetics
Classification: Uncertain significance for Inborn genetic diseases. Last evaluated: 2021-07-14. Review status: criteria provided, single submitter. Criteria: Ambry Variant Classification Scheme 2023. Collection method: clinical testing. Allele origin: germline.

Eurofins Ntd Llc (ga)
Classification: Uncertain significance. Last evaluated: 2016-03-28. Review status: criteria provided, single submitter. Criteria: EGL Classification Definitions 2015. Collection method: clinical testing. Allele origin: germline. Observed: 1 variant allele, 1 heterozygote.

NM_014780.5(CUL7):c.5080T>G (p.Phe1694Val)

Gene: CUL7 (cullin 7; minus strand). Cytogenetic location: 6p21.1.
Variant type: single nucleotide variant.
Coding change: c.5080T>G on transcript NM_014780.5 (MANE Select); coding-DNA position 5080, T replaced by G.
Protein change: p.Phe1694Val; replaces phenylalanine 1694 with valine.
Molecular consequence: missense variant.
Genome position (GRCh38, 1-based): chr6:43,037,705, A>C on the plus strand (T>G on the coding strand, the complement: CUL7 is on the minus strand). VCF-style: chr6-43037705-A-C. GRCh37 (hg19) VCF-style: chr6-43005443-A-C.
Other names: c.5176T>G, p.Phe1726Val (NM_001168370.2, NM_001374872.1); c.5092T>G, p.Phe1698Val (NM_001374873.1); c.5077T>G, p.Phe1693Val (NM_001374874.1); c.5080T>G (NM_014780.4); short protein forms F1694V, F1693V, F1698V, F1726V.
Identifiers: ClinVar variation 286956 (VCV000286956.8), dbSNP rs150979209, ClinGen allele CA3813050.